The following is an entry in ClinVar:

ClinVar aggregate classification (germline): Uncertain significance. Review status: criteria provided, multiple submitters, no conflicts (2 of 4 stars). 2 submissions from 2 submitters: Uncertain significance (2). Last evaluated 2025-07-30.

Conditions:
Inborn genetic diseases. Identifiers: MedGen C0950123, MeSH D030342.

Allele frequency attached by ClinVar (database versions not stated): gnomAD 0.00001.
gnomAD v4.1: 3 of 1,613,406 alleles (0.00019%); highest among the groups gnomAD compares: Admixed American, 0.005%; no homozygotes.

Submissions (2):

Labcorp Genetics (formerly Invitae), Labcorp
Classification: Uncertain significance. Last evaluated: 2025-07-30. Review status: criteria provided, single submitter. Criteria: Invitae Variant Classification Sherloc (09022015). Collection method: clinical testing. Allele origin: germline.
Comment: This sequence change replaces glutamic acid, which is acidic and polar, with aspartic acid, which is acidic and polar, at codon 892 of the MECOM protein (p.Glu892Asp). This variant is present in population databases (no rsID available, gnomAD 0.006%). This variant has not been reported in the literature in individuals affected with MECOM-related conditions. ClinVar contains an entry for this variant (Variation ID: 2878464). An algorithm developed to predict the effect of missense changes on protein structure and function (PolyPhen-2) suggests that this variant is likely to be disruptive. In summary, the available evidence is currently insufficient to determine the role of this variant in disease. Therefore, it has been classified as a Variant of Uncertain Significance.

Ambry Genetics
Classification: Uncertain significance for Inborn genetic diseases. Last evaluated: 2025-01-05. Review status: criteria provided, single submitter. Criteria: Ambry Variant Classification Scheme 2023. Collection method: clinical testing. Allele origin: germline.
Comment: The p.E1080D variant (also known as c.3240A>T), located in coding exon 15 of the MECOM gene, results from an A to T substitution at nucleotide position 3240. The glutamic acid at codon 1080 is replaced by aspartic acid, an amino acid with highly similar properties. This amino acid position is conserved. In addition, this alteration is predicted to be tolerated by in silico analysis. Based on the available evidence, the clinical significance of this variant remains unclear.

NM_004991.4(MECOM):c.3240A>T (p.Glu1080Asp)

Gene: MECOM (MDS1 and EVI1 complex locus; minus strand). Cytogenetic location: 3q26.2.
Variant type: single nucleotide variant.
Coding change: c.3240A>T on transcript NM_004991.4 (MANE Select); coding-DNA position 3240, A replaced by T.
Protein change: p.Glu1080Asp; replaces glutamic acid 1080 with aspartic acid.
Molecular consequence: missense variant.
Genome position (GRCh38, 1-based): chr3:169,090,161, T>A on the plus strand (A>T on the coding strand, the complement: MECOM is on the minus strand). VCF-style: chr3-169090161-T-A. GRCh37 (hg19) VCF-style: chr3-168807949-T-A.
Other names: c.2679A>T, p.Glu893Asp (NM_001366468.2, NM_001366467.2); c.2676A>T, p.Glu892Asp (NM_001366469.2, NM_005241.4, NM_001105078.4 and 1 more transcripts); c.2652A>T, p.Glu884Asp (NM_001366470.2, NM_001163999.2); c.2649A>T, p.Glu883Asp (NM_001366471.2, NM_001366472.2, NM_001164000.2); c.2241A>T, p.Glu747Asp (NM_001366473.2); c.1677A>T, p.Glu559Asp (NM_001366474.2); c.2871A>T, p.Glu957Asp (NM_001105077.4); c.3213A>T, p.Glu1071Asp (NM_001366466.2); and 1 more; short protein forms E1071D, E559D, E892D, E957D, E893D, E1080D, E747D, E883D.
Identifiers: ClinVar variation 2878464 (VCV002878464.4), dbSNP rs1458763977, ClinGen allele CA355069533.